The following is an entry in ClinVar:

ClinVar aggregate classification (germline): Uncertain significance (1 of 4 stars; one submission).

Submission:

Labcorp Genetics (formerly Invitae), Labcorp
Classification: Uncertain significance. Last evaluated: 2025-07-31. Review status: criteria provided, single submitter. Criteria: Invitae Variant Classification Sherloc (09022015). Collection method: clinical testing. Allele origin: germline.
Comment: This variant, c.437_439del, results in the deletion of 1 amino acid(s) of the RAI1 protein (p.Met146del), but otherwise preserves the integrity of the reading frame. This variant is not present in population databases (gnomAD no frequency). This variant has not been reported in the literature in individuals affected with RAI1-related conditions. Experimental studies and prediction algorithms are not available or were not evaluated, and the functional significance of this variant is currently unknown. In summary, the available evidence is currently insufficient to determine the role of this variant in disease. Therefore, it has been classified as a Variant of Uncertain Significance.

NM_030665.4(RAI1):c.434TGA[1] (p.Met146del)

Gene: RAI1 (retinoic acid induced 1; plus strand). Cytogenetic location: 17p11.2.
Variant type: Microsatellite.
Coding change: c.434TGA[1] on transcript NM_030665.4 (MANE Select); one copy of the 3-base unit TGA starting at c.434; the reference has two copies in a row; one copy, 3 bases deleted.
Protein change: p.Met146del; deletes methionine 146.
Genome position (GRCh38, 1-based): chr17:17,793,385-17,793,387, TGA deleted; deleting any 3 consecutive bases within chr17:17,793,382-17,793,387 gives the same sequence; the position shown is the placement nearest the transcript's 3' end. VCF-style (leftmost placement, unchanged base first): chr17-17793381-TTGA-T. GRCh37 (hg19) VCF-style: chr17-17696695-TTGA-T.
Other names: short protein forms M146del.
Identifiers: ClinVar variation 4808621 (VCV004808621.1).